The following is an entry in ClinVar:

NM_001330260.2(SCN8A):c.4281+13A>G

Gene: SCN8A (sodium voltage-gated channel alpha subunit 8; plus strand). Cytogenetic location: 12q13.13.
Variant type: single nucleotide variant.
Coding change: c.4281+13A>G on transcript NM_001330260.2 (MANE Select); 13 bases into the intron after coding-DNA position 4281, A replaced by G.
Molecular consequence: intron variant.
Genome position (GRCh38, 1-based): chr12:51,788,761, A>G. VCF-style: chr12-51788761-A-G. GRCh37 (hg19) VCF-style: chr12-52182545-A-G.
Other names: c.4281+13A>G (NM_014191.4); c.4158+13A>G (NM_001177984.3, NM_001369788.1).
Identifiers: ClinVar variation 139073 (VCV000139073.16), dbSNP rs9943809, ClinGen allele CA293426.
Genomic context (GRCh38, chr12:51,788,761, plus strand): 5'-TTCAAAGGCTGGATGGACATCATGTATGCAGCTGTAGATTCCCGGAAGGTAAGGATGTAC[A>G]TGGCGAAAATACCACCTTCTCAGATGGCTGGAAAGCAAGCAGCATGGTATACCGAGCCCA-3'

ClinVar aggregate classification (germline): Benign. Review status: criteria provided, multiple submitters, no conflicts (2 of 4 stars). 6 submissions from 6 submitters: Benign (4). 2 of the submissions do not count toward it. Last evaluated 2026-02-03.

Conditions:
Early-infantile DEE. Also called: Ohtahara syndrome; Early infantile epileptic encephalopathy; Early infantile epileptic encephalopathy with suppression bursts. Identifiers: Orphanet 1934, MedGen C0393706, MONDO:0800491.

Allele frequency attached by ClinVar (database versions not stated): ESP Exome Variant Server 0.06652; gnomAD 0.08096 and 0.09037; TOPMed 0.08175; gnomAD exomes 0.10335 and 0.13257; ExAC 0.14000; 1000 Genomes Project 30x 0.15225; 1000 Genomes Project 0.16014.
gnomAD v4.1: 163,750 of 1,603,488 alleles (10%); highest among the groups gnomAD compares: East Asian, 42%; 12,285 homozygotes.

Submissions (9):

Labcorp Genetics (formerly Invitae), Labcorp
Classification: Benign for Early-infantile DEE. Last evaluated: 2026-02-03. Review status: criteria provided, single submitter. Criteria: Invitae Variant Classification Sherloc (09022015). Collection method: clinical testing. Allele origin: germline.

GeneDx
Classification: Benign. Last evaluated: 2013-12-01. Review status: criteria provided, single submitter. Criteria: GeneDx Variant Classification (06012015). Collection method: clinical testing. Allele origin: germline. Affected: yes.
Comment: This variant is considered likely benign or benign based on one or more of the following criteria: it is a conservative change, it occurs at a poorly conserved position in the protein, it is predicted to be benign by multiple in silico algorithms, and/or has population frequency not consistent with disease.

Breakthrough Genomics
Classification: Benign. Review status: criteria provided, single submitter. Criteria: ACMG Guidelines, 2015. Collection method: not provided. Allele origin: germline. Inheritance: Autosomal dominant inheritance. Affected: yes.

PreventionGenetics, part of Exact Sciences
Classification: Benign. Review status: criteria provided, single submitter. Criteria: ACMG Guidelines, 2015. Collection method: clinical testing. Allele origin: germline.

Clinical Genetics DNA and cytogenetics Diagnostics Lab, Erasmus MC, Erasmus Medical Center
Classification: Benign. Review status: no assertion criteria provided. Collection method: clinical testing. Allele origin: germline. Affected: yes. Study: VKGL Data-share Consensus. Not counted in ClinVar's aggregate classification.

Dr. Peter K. Rogan Lab, Western University
No classification provided (evidence only). Condition: Acute myeloid leukemia. Review status: no classification provided. Collection method: in vitro. Allele origin: not applicable. Functional consequence: retained intron. Not counted in ClinVar's aggregate classification.

Dr. Peter K. Rogan Lab, Western University
No classification provided (evidence only). Condition: Cholangiocarcinoma. Review status: no classification provided. Collection method: in vitro. Allele origin: not applicable. Functional consequence: retained intron. Not counted in ClinVar's aggregate classification.

Dr. Peter K. Rogan Lab, Western University
No classification provided (evidence only). Condition: Cholangiocarcinoma. Review status: no classification provided. Collection method: in vitro. Allele origin: not applicable. Functional consequence: retained intron. Not counted in ClinVar's aggregate classification.

Joint Genome Diagnostic Labs from Nijmegen and Maastricht, Radboudumc and MUMC+
Classification: Benign. Review status: no assertion criteria provided. Collection method: clinical testing. Allele origin: germline. Affected: yes. Study: VKGL Data-share Consensus. Not counted in ClinVar's aggregate classification.